The following is an entry in ClinVar:

ClinVar aggregate classification (germline): Likely pathogenic. Review status: criteria provided, single submitter (1 of 4 stars). 2 submissions from 2 submitters: Likely pathogenic (1). 1 of the submissions does not count toward it. Last evaluated 2024-11-26.

Conditions:
Testosterone 17-beta-dehydrogenase deficiency. Also called: 17 alpha ketosteroid reductase deficiency of testis; 17 alpha KSR deficiency; Neutral 17 beta hydroxysteroid oxidoreductase deficiency; Male pseudoherma-phroditism with gynecomastia; 17-beta hydroxysteroid dehydrogenase 3 deficiency; 46,XY disorder of sex development due to 17-beta-hydroxysteroid dehydrogenase 3 deficiency. Identifiers: Orphanet 752, MedGen C0268296, MONDO:0009916, OMIM 264300. Disease mechanism: loss of function.

Allele frequency attached by ClinVar (database versions not stated): TOPMed 0.00002; gnomAD exomes below 0.00001; gnomAD 0.00001.
gnomAD v4.1: 3 of 1,614,078 alleles (0.00019%); highest among the groups gnomAD compares: African/African-American, 0.0027%; no homozygotes.

Submissions (2):

Women's Health and Genetics/Laboratory Corporation of America, LabCorp
Classification: Likely pathogenic for Testosterone 17-beta-dehydrogenase deficiency. Last evaluated: 2024-11-26. Review status: criteria provided, single submitter. Criteria: LabCorp Variant Classification Summary - May 2015. Collection method: clinical testing. Allele origin: germline.
Comment: Variant summary: HSD17B3 c.703A>G (p.Met235Val) results in a conservative amino acid change located in the NAD(P)-binding Rossmann-fold domain (IPR036291) of the encoded protein sequence. Four of five in-silico tools predict a damaging effect of the variant on protein function. The variant was absent in 251446 control chromosomes. c.703A>G has been reported in the presumed compound heterozygous state in the literature in at least 1 individual affected with clinical features of Testosterone 17-beta-dehydrogenase deficiency (example, Geissler_1994, Hassan_2016). At least one publication reports experimental evidence evaluating an impact on protein function. The most pronounced variant effect results in <10% of normal activity in vitro (example, Geissler_1994). ClinVar contains an entry for this variant (Variation ID: 4873). Based on the evidence outlined above, the variant was classified as likely pathogenic.

OMIM
Classification: Pathogenic for 17-BETA HYDROXYSTEROID DEHYDROGENASE III DEFICIENCY. Last evaluated: 1994-05-01. Review status: no assertion criteria provided. Collection method: literature only. Allele origin: germline. Not counted in ClinVar's aggregate classification.

Literature cited by the submitters: PubMed 27073926 (cited by Women's Health and Genetics/Laboratory Corporation of America, LabCorp); PubMed 8075637 (cited by Women's Health and Genetics/Laboratory Corporation of America, LabCorp and OMIM).

NM_000197.2(HSD17B3):c.703A>G (p.Met235Val)

Genes: HSD17B3 (hydroxysteroid 17-beta dehydrogenase 3; minus strand), SLC35D2-HSD17B3 (SLC35D2-HSD17B3 readthrough; minus strand). Cytogenetic location: 9q22.32.
Variant type: single nucleotide variant.
Coding change: c.703A>G on transcript NM_000197.2 (MANE Select); coding-DNA position 703, A replaced by G.
Protein change: p.Met235Val; replaces methionine 235 with valine.
Molecular consequence: missense variant.
Genome position (GRCh38, 1-based): chr9:96,240,877, T>C on the plus strand (A>G on the coding strand, the complement: HSD17B3 is on the minus strand). VCF-style: chr9-96240877-T-C. GRCh37 (hg19) VCF-style: chr9-99003159-T-C.
Other names: short protein forms M235V.
Identifiers: ClinVar variation 4873 (VCV000004873.4), dbSNP rs119481074, ClinGen allele CA117111.